The following is an entry in ClinVar:

ClinVar aggregate classification (germline): Uncertain significance. Review status: criteria provided, multiple submitters, no conflicts (2 of 4 stars). 4 submissions from 4 submitters: Uncertain significance (4). Last evaluated 2024-12-18.

Conditions:
Inborn genetic diseases. Identifiers: MedGen C0950123, MeSH D030342.
Spastic paraplegia. Identifiers: MedGen C0037772, HP:0001258.
Hereditary spastic paraplegia 15 (SPG15). Also called: SPASTIC PARAPLEGIA 15, AUTOSOMAL RECESSIVE; KJELLIN SYNDROME; SPASTIC PARAPLEGIA AND RETINAL DEGENERATION. Identifiers: Orphanet 100996, MedGen C1849128, MONDO:0010044, OMIM 270700.

Allele frequency attached by ClinVar (database versions not stated): ExAC 0.00001; gnomAD exomes 0.00002; gnomAD 0.00003.
gnomAD v4.1: 38 of 1,614,206 alleles (0.0024%); highest among the groups gnomAD compares: African/African-American, 0.008%; no homozygotes.

Submissions (4):

Genomic Medicine Center of Excellence, King Faisal Specialist Hospital and Research Centre
Classification: Uncertain significance for Hereditary spastic paraplegia 15. Last evaluated: 2024-12-18. Review status: criteria provided, single submitter. Criteria: ACMG Guidelines, 2015. Collection method: clinical testing. Allele origin: germline.

Labcorp Genetics (formerly Invitae), Labcorp
Classification: Uncertain significance for Spastic paraplegia. Last evaluated: 2024-12-16. Review status: criteria provided, single submitter. Criteria: Invitae Variant Classification Sherloc (09022015). Collection method: clinical testing. Allele origin: germline.
Comment: This sequence change replaces leucine, which is neutral and non-polar, with phenylalanine, which is neutral and non-polar, at codon 448 of the ZFYVE26 protein (p.Leu448Phe). This variant is present in population databases (rs111463514, gnomAD 0.003%). This variant has not been reported in the literature in individuals affected with ZFYVE26-related conditions. ClinVar contains an entry for this variant (Variation ID: 2082963). An algorithm developed to predict the effect of missense changes on protein structure and function (PolyPhen-2) suggests that this variant is likely to be tolerated. In summary, the available evidence is currently insufficient to determine the role of this variant in disease. Therefore, it has been classified as a Variant of Uncertain Significance.

Ambry Genetics
Classification: Uncertain significance for Inborn genetic diseases. Last evaluated: 2021-12-08. Review status: criteria provided, single submitter. Criteria: Ambry Variant Classification Scheme 2023. Collection method: clinical testing. Allele origin: germline.

Revvity Omics, Revvity
Classification: Uncertain significance for Hereditary spastic paraplegia 15. Last evaluated: 2019-10-11. Review status: criteria provided, single submitter. Criteria: ACMG Guidelines, 2015. Collection method: clinical testing. Allele origin: germline.

NM_015346.4(ZFYVE26):c.1342C>T (p.Leu448Phe)

Gene: ZFYVE26 (zinc finger FYVE-type containing 26; minus strand). Cytogenetic location: 14q24.1.
Variant type: single nucleotide variant.
Coding change: c.1342C>T on transcript NM_015346.4 (MANE Select); coding-DNA position 1342, C replaced by T.
Protein change: p.Leu448Phe; replaces leucine 448 with phenylalanine.
Molecular consequence: missense variant.
Genome position (GRCh38, 1-based): chr14:67,804,194, G>A on the plus strand (C>T on the coding strand, the complement: ZFYVE26 is on the minus strand). VCF-style: chr14-67804194-G-A. GRCh37 (hg19) VCF-style: chr14-68270911-G-A.
Other names: short protein forms L448F.
Identifiers: ClinVar variation 2082963 (VCV002082963.8), dbSNP rs111463514, ClinGen allele CA7240545.